The following is an entry in ClinVar:

ClinVar aggregate classification (germline): Uncertain significance. Review status: criteria provided, multiple submitters, no conflicts (2 of 4 stars). 2 submissions from 2 submitters: Uncertain significance (2). Last evaluated 2025-09-27.

Conditions:
DIAPH3-related disorder. Also called: DIAPH3-related condition.

Allele frequency attached by ClinVar (database versions not stated): ExAC 0.00004; 1000 Genomes Project 30x 0.00016; 1000 Genomes Project 0.00020.
gnomAD v4.1: 114 of 1,613,524 alleles (0.0071%); highest among the groups gnomAD compares: East Asian, 0.24%; 1 homozygote.

Submissions (2):

PreventionGenetics, part of Exact Sciences
Classification: Uncertain significance for DIAPH3-related condition. Last evaluated: 2025-09-27. Review status: criteria provided, single submitter. Criteria: ACMG Guidelines, 2015. Collection method: clinical testing. Allele origin: germline.
Comment: The DIAPH3 c.3G>C variant is predicted to disrupt the translation initiation site (Start Loss). To our knowledge, this variant has not been reported in the literature. This variant is reported in 0.062% of alleles in individuals of East Asian descent in gnomAD. At this time, the clinical significance of this variant is uncertain due to the absence of conclusive functional and genetic evidence.

Labcorp Genetics (formerly Invitae), Labcorp
Classification: Uncertain significance. Last evaluated: 2025-04-10. Review status: criteria provided, single submitter. Criteria: Invitae Variant Classification Sherloc (09022015). Collection method: clinical testing. Allele origin: germline.
Comment: This sequence change replaces methionine, which is neutral and non-polar, with isoleucine, which is neutral and non-polar, at codon 264 of the DIAPH3 protein (p.Met264Ile). This variant is present in population databases (rs201731537, gnomAD 0.06%), and has an allele count higher than expected for a pathogenic variant. This variant has not been reported in the literature in individuals affected with DIAPH3-related conditions. ClinVar contains an entry for this variant (Variation ID: 2899994). An algorithm developed to predict the effect of missense changes on protein structure and function (PolyPhen-2) suggests that this variant is likely to be disruptive. In summary, the available evidence is currently insufficient to determine the role of this variant in disease. Therefore, it has been classified as a Variant of Uncertain Significance.

NM_001042517.2(DIAPH3):c.792G>C (p.Met264Ile)

Gene: DIAPH3 (diaphanous related formin 3; minus strand). Cytogenetic location: 13q21.2.
Variant type: single nucleotide variant.
Coding change: c.792G>C on transcript NM_001042517.2 (MANE Select); coding-DNA position 792, G replaced by C.
Protein change: p.Met264Ile; replaces methionine 264 with isoleucine.
Molecular consequence: missense variant. On other transcripts: initiator codon variant (2).
Genome position (GRCh38, 1-based): chr13:60,010,649, C>G on the plus strand (G>C on the coding strand, the complement: DIAPH3 is on the minus strand). VCF-style: chr13-60010649-C-G. GRCh37 (hg19) VCF-style: chr13-60584783-C-G.
Other names: c.759G>C, p.Met253Ile (NM_001258366.2); c.654G>C, p.Met218Ile (NM_001258367.2); c.582G>C, p.Met194Ile (NM_001258368.2); c.792G>C, p.Met264Ile (NM_001258369.2); c.3G>C, p.Met1Ile (NM_001258370.2, NM_030932.4); c.3G>C (NM_001258370.1); short protein forms M194I, M1I, M218I, M253I, M264I.
Identifiers: ClinVar variation 2899994 (VCV002899994.4), dbSNP rs201731537, ClinGen allele CA6996885.
Genomic context (GRCh38, chr13:60,010,649, plus strand): 5'-CATATTGGGGTGTCTGGGATCCACGGCTTTGGCCAATAAGGAAAGGCTCCTCTCCTCACT[C>G]ATAATTCTTTCCAAGCCATACTATAATATTTTGAAAATAAGAGGTCAAATGTTAGAAATT-3'
Protein context (NP_001035982.1, residues 254-274): MNTQYGLERI[Met264Ile]SEERSLSLLA